The following is an entry in ClinVar:

ClinVar aggregate classification (germline): Conflicting classifications of pathogenicity. Review status: criteria provided, conflicting classifications (1 of 4 stars). 6 submissions from 6 submitters: Uncertain significance (2); Likely benign (2). 2 of the submissions do not count toward it. Last evaluated 2025-10-17.

Conditions:
Dystonia 12 (DYT12). Also called: Rapid-Onset Dystonia-Parkinsonism (RDP); DYT-ATP1A3. Identifiers: Orphanet 71517, MedGen C1868681, MONDO:0007496, OMIM 128235.
Developmental and epileptic encephalopathy 99. Identifiers: MedGen C5562018, MONDO:0030473, OMIM 619606.
ATP1A3-related disorder. Also called: ATP1A3-related disorders; ATP1A3-related condition. Identifiers: MedGen CN381097.
Inborn genetic diseases. Identifiers: MedGen C0950123, MeSH D030342.

Allele frequency attached by ClinVar (database versions not stated): ExAC 0.00002; gnomAD exomes 0.00003 and 0.00007; gnomAD 0.00005 and 0.00006; TOPMed 0.00007; ESP Exome Variant Server 0.00008.
gnomAD v4.1: 104 of 1,613,998 alleles (0.0064%); highest among the groups gnomAD compares: Middle Eastern, 0.016%; no homozygotes.

Submissions (6):

Labcorp Genetics (formerly Invitae), Labcorp
Classification: Uncertain significance for Dystonia 12. Last evaluated: 2025-10-17. Review status: criteria provided, single submitter. Criteria: Invitae Variant Classification Sherloc (09022015). Collection method: clinical testing. Allele origin: germline.
Comment: This sequence change replaces arginine, which is basic and polar, with glutamine, which is neutral and polar, at codon 64 of the ATP1A3 protein (p.Arg64Gln). This variant is present in population databases (rs201573515, gnomAD 0.008%). This variant has not been reported in the literature in individuals affected with ATP1A3-related conditions. ClinVar contains an entry for this variant (Variation ID: 468595). Invitae Evidence Modeling of protein sequence and biophysical properties (such as structural, functional, and spatial information, amino acid conservation, physicochemical variation, residue mobility, and thermodynamic stability) has been performed for this missense variant. However, the output from this modeling did not meet the statistical confidence thresholds required to predict the impact of this variant on ATP1A3 protein function. In summary, the available evidence is currently insufficient to determine the role of this variant in disease. Therefore, it has been classified as a Variant of Uncertain Significance.

Women's Health and Genetics/Laboratory Corporation of America, LabCorp
Classification: Uncertain significance. Last evaluated: 2023-06-19. Review status: criteria provided, single submitter. Criteria: LabCorp Variant Classification Summary - May 2015. Collection method: clinical testing. Allele origin: germline.
Comment: Variant summary: ATP1A3 c.191G>A (p.Arg64Gln) results in a conservative amino acid change located in the Cation-transporting P-type ATPase, N-terminal (IPR004014) of the encoded protein sequence. Four of five in-silico tools predict a benign effect of the variant on protein function. The variant allele was found at a frequency of 3.2e-05 in 251162 control chromosomes (gnomAD). The available data on variant occurrences in the general population are insufficient to allow any conclusion about variant significance. To our knowledge, no occurrence of c.191G>A in individuals affected with ATP1A3-Related Disorders and no experimental evidence demonstrating its impact on protein function have been reported. Two submitters have cited clinical-significance assessments for this variant to ClinVar after 2014. One submitter classified the variant as likely benign, and one classified it as uncertain significance. Based on the evidence outlined above, the variant was classified as uncertain significance.

Ambry Genetics
Classification: Likely benign for Inborn genetic diseases. Last evaluated: 2023-04-25. Review status: criteria provided, single submitter. Criteria: Ambry Variant Classification Scheme 2023. Collection method: clinical testing. Allele origin: germline.

GeneDx
Classification: Likely benign. Last evaluated: 2021-03-02. Review status: criteria provided, single submitter. Criteria: GeneDx Variant Classification Process June 2021. Collection method: clinical testing. Allele origin: germline. Affected: yes.

PreventionGenetics, part of Exact Sciences
Classification: Likely benign for ATP1A3-related condition. Last evaluated: 2024-01-29. Review status: no assertion criteria provided. Collection method: clinical testing. Allele origin: germline. Not counted in ClinVar's aggregate classification.
Comment: This variant is classified as likely benign based on ACMG/AMP sequence variant interpretation guidelines (Richards et al. 2015 PMID: 25741868, with internal and published modifications).

Developmental and Behavioral Pediatrics, First Affiliated Hospital of Jilin University
Classification: Likely pathogenic for Developmental and epileptic encephalopathy 99. Review status: no assertion criteria provided. Collection method: provider interpretation. Allele origin: de novo. Inheritance: Autosomal dominant inheritance. Affected: yes. Not counted in ClinVar's aggregate classification.

NM_152296.5(ATP1A3):c.191G>A (p.Arg64Gln)

Gene: ATP1A3 (ATPase Na+/K+ transporting subunit alpha 3; minus strand). Cytogenetic location: 19q13.2.
Variant type: single nucleotide variant.
Coding change: c.191G>A on transcript NM_152296.5 (MANE Select); coding-DNA position 191, G replaced by A.
Protein change: p.Arg64Gln; replaces arginine 64 with glutamine.
Molecular consequence: missense variant.
Genome position (GRCh38, 1-based): chr19:41,988,102, C>T on the plus strand (G>A on the coding strand, the complement: ATP1A3 is on the minus strand). VCF-style: chr19-41988102-C-T. GRCh37 (hg19) VCF-style: chr19-42492254-C-T.
Other names: c.224G>A, p.Arg75Gln (NM_001256213.2); c.230G>A, p.Arg77Gln (NM_001256214.2); c.191G>A (NM_152296.3); c.230G>A (NM_001256214.1); short protein forms R64Q, R75Q, R77Q.
Identifiers: ClinVar variation 468595 (VCV000468595.38), dbSNP rs201573515, ClinGen allele CA9467926.